The following is an entry in ClinVar:

NM_000264.5(PTCH1):c.2028C>A (p.Tyr676Ter)

Genes: PTCH1 (patched 1; minus strand), LOC100507346 (uncharacterized LOC100507346; plus strand). Cytogenetic location: 9q22.32.
Variant type: single nucleotide variant.
Coding change: c.2028C>A on transcript NM_000264.5 (MANE Select); coding-DNA position 2028, C replaced by A.
Protein change: p.Tyr676Ter; replaces tyrosine 676 with a stop codon.
Molecular consequence: nonsense. On other transcripts: non-coding transcript variant (2).
Genome position (GRCh38, 1-based): chr9:95,468,973, G>T on the plus strand (C>A on the coding strand, the complement: PTCH1 is on the minus strand). VCF-style: chr9-95468973-G-T. GRCh37 (hg19) VCF-style: chr9-98231255-G-T.
Other names: c.1830C>A, p.Tyr610Ter (NM_001083602.3); c.2025C>A, p.Tyr675Ter (NM_001083603.3); c.1575C>A, p.Tyr525Ter (NM_001083604.3, NM_001083605.3, NM_001083606.3 and 1 more transcripts); c.1872C>A, p.Tyr624Ter (NM_001354918.2); short protein forms Y675*, Y610*, Y624*, Y525*, Y676*.
Identifiers: ClinVar variation 1784693 (VCV001784693.2), dbSNP rs2118044447, ClinGen allele CA374115807.

ClinVar aggregate classification (germline): Pathogenic (1 of 4 stars; one submission).

Conditions:
Hereditary cancer-predisposing syndrome. Also called: Neoplastic Syndromes, Hereditary; Tumor predisposition; Hereditary Cancer Syndrome; Hereditary neoplastic syndrome. Identifiers: Orphanet 140162, MedGen C0027672, MeSH D009386, MONDO:0015356.

Submission:

Ambry Genetics
Classification: Pathogenic for Hereditary cancer-predisposing syndrome. Last evaluated: 2021-05-11. Review status: criteria provided, single submitter. Criteria: Ambry Variant Classification Scheme 2023. Collection method: clinical testing. Allele origin: germline.
Comment: The p.Y676* pathogenic mutation (also known as c.2028C>A), located in coding exon 14 of the PTCH1 gene, results from a C to A substitution at nucleotide position 2028. This changes the amino acid from a tyrosine to a stop codon within coding exon 14. This alteration is expected to result in loss of function by premature protein truncation or nonsense-mediated mRNA decay. As such, this alteration is interpreted as a disease-causing mutation.